The following is an entry in ClinVar:

NM_002294.3(LAMP2):c.865-1_865del

Gene: LAMP2 (lysosome associated membrane protein 2; minus strand). Cytogenetic location: Xq24.
Variant type: Deletion.
Coding change: c.865-1_865del on transcript NM_002294.3 (MANE Select); the canonical splice acceptor site of the intron before coding-DNA position 865 through coding-DNA position 865, 2 bases deleted (GA; older notation c.865-1_865delGA).
Molecular consequence: splice acceptor variant.
Genome position (GRCh38, 1-based): chrX:120,442,662-120,442,663, TC deleted on the plus strand (GA on the coding strand, the reverse complement: LAMP2 is on the minus strand); deleting any 2 consecutive bases within chrX:120,442,662-120,442,664 gives the same sequence; the c. name uses the placement nearest the transcript's 3' end. VCF-style (leftmost placement, unchanged base first): chrX-120442661-TTC-T. GRCh37 (hg19) VCF-style: chrX-119576516-TTC-T.
Other names: c.865-1_865del (NM_001122606.1, NM_013995.2).
Identifiers: ClinVar variation 4722033 (VCV004722033.1).

ClinVar aggregate classification (germline): Likely pathogenic (1 of 4 stars; one submission).

Conditions:
Danon disease. Also called: ANTOPOL DISEASE; PSEUDOGLYCOGENOSIS II; GSD IIb; LYSOSOMAL GLYCOGEN STORAGE DISEASE WITHOUT ACID MALTASE DEFICIENCY; Glycogen Storage Disease Type IIb. Identifiers: Orphanet 34587, MedGen C0878677, MONDO:0010281, OMIM 300257.

Submission:

Labcorp Genetics (formerly Invitae), Labcorp
Classification: Likely pathogenic for Danon disease. Last evaluated: 2025-06-24. Review status: criteria provided, single submitter. Criteria: Invitae Variant Classification Sherloc (09022015). Collection method: clinical testing. Allele origin: germline.
Comment: This variant results in the deletion of part of exon 7 (c.865-1_865del) of the LAMP2 gene. It is expected to disrupt RNA splicing. Variants that disrupt the donor or acceptor splice site typically lead to a loss of protein function (PMID: 16199547), and loss-of-function variants in LAMP2 are known to be pathogenic (PMID: 21415759). This variant is not present in population databases (gnomAD no frequency). This variant has not been reported in the literature in individuals affected with LAMP2-related conditions. Algorithms developed to predict the effect of sequence changes on RNA splicing suggest that this variant may disrupt the consensus splice site. In summary, the currently available evidence indicates that the variant is pathogenic, but additional data are needed to prove that conclusively. Therefore, this variant has been classified as Likely Pathogenic.

Literature cited by the submitters: PubMed 16199547; PubMed 21415759.